The following is an entry in ClinVar:

ClinVar aggregate classification (germline): Uncertain significance (1 of 4 stars; one submission).

Conditions:
Hereditary cancer-predisposing syndrome. Also called: Neoplastic Syndromes, Hereditary; Tumor predisposition; Hereditary neoplastic syndrome; Hereditary Cancer Syndrome. Identifiers: Orphanet 140162, MedGen C0027672, MeSH D009386, MONDO:0015356.

Submission:

Ambry Genetics
Classification: Uncertain significance for Hereditary cancer-predisposing syndrome. Last evaluated: 2026-07-07. Review status: criteria provided, single submitter. Criteria: Ambry Variant Classification Scheme 2023. Collection method: clinical testing. Allele origin: germline.
Comment: The p.D118V variant (also known as c.353A>T), located in coding exon 4 of the SDHD gene, results from an A to T substitution at nucleotide position 353. The aspartic acid at codon 118 is replaced by valine, an amino acid with highly dissimilar properties. This amino acid position is conserved. In addition, this alteration is predicted to be deleterious by in silico analysis. Based on the available evidence, the clinical significance of this variant remains unclear.

NM_003002.4(SDHD):c.353A>T (p.Asp118Val)

Gene: SDHD (succinate dehydrogenase complex subunit D; plus strand). Cytogenetic location: 11q23.1.
Variant type: single nucleotide variant.
Coding change: c.353A>T on transcript NM_003002.4 (MANE Select); coding-DNA position 353, A replaced by T.
Protein change: p.Asp118Val; replaces aspartic acid 118 with valine.
Molecular consequence: missense variant. On other transcripts: 3 prime UTR variant (1), non-coding transcript variant (1).
Genome position (GRCh38, 1-based): chr11:112,094,843, A>T. VCF-style: chr11-112094843-A-T. GRCh37 (hg19) VCF-style: chr11-111965567-A-T.
Other names: c.208A>T, p.Met70Leu (NM_001276503.2); c.236A>T, p.Asp79Val (NM_001276504.2); c.*51A>T (NM_001276506.2); short protein forms D118V, M70L, D79V.
Identifiers: ClinVar variation 5029371 (VCV005029371.1).